The following is an entry in ClinVar:

NM_000030.3(AGXT):c.465C>T (p.His155=)

Gene: AGXT (alanine--glyoxylate aminotransferase; plus strand). Cytogenetic location: 2q37.3.
Variant type: single nucleotide variant.
Coding change: c.465C>T on transcript NM_000030.3 (MANE Select); coding-DNA position 465, C replaced by T.
Protein change: p.His155=; no amino-acid change (histidine 155 retained).
Molecular consequence: synonymous variant.
Genome position (GRCh38, 1-based): chr2:240,871,390, C>T. VCF-style: chr2-240871390-C-T. GRCh37 (hg19) VCF-style: chr2-241810807-C-T.
Other names: c.465C>T (NM_000030.2).
Identifiers: ClinVar variation 1082185 (VCV001082185.10), dbSNP rs149569747, ClinGen allele CA2209098.

ClinVar aggregate classification (germline): Likely benign. Review status: criteria provided, multiple submitters, no conflicts (2 of 4 stars). 2 submissions from 2 submitters: Likely benign (2). Last evaluated 2026-01-25.

Conditions:
AGXT-related disorder. Also called: AGXT-related condition.

Allele frequency attached by ClinVar (database versions not stated): ExAC 0.00004; gnomAD exomes 0.00004; gnomAD 0.00005 and 0.00006; TOPMed 0.00014; ESP Exome Variant Server 0.00023.
gnomAD v4.1: 38 of 1,599,972 alleles (0.0024%); highest among the groups gnomAD compares: African/African-American, 0.031%; no homozygotes.

Submissions (2):

Labcorp Genetics (formerly Invitae), Labcorp
Classification: Likely benign. Last evaluated: 2026-01-25. Review status: criteria provided, single submitter. Criteria: Invitae Variant Classification Sherloc (09022015). Collection method: clinical testing. Allele origin: germline.

PreventionGenetics, part of Exact Sciences
Classification: Likely benign for AGXT-related condition. Last evaluated: 2025-11-05. Review status: criteria provided, single submitter. Criteria: ACMG Guidelines, 2015. Collection method: clinical testing. Allele origin: germline.
Comment: This variant is classified as likely benign based on ACMG/AMP sequence variant interpretation guidelines (Richards et al. 2015 PMID: 25741868, with internal and published modifications).